The following is an entry in ClinVar:

ClinVar aggregate classification (germline): Uncertain significance. Review status: criteria provided, multiple submitters, no conflicts (2 of 4 stars). 6 submissions from 6 submitters: Uncertain significance (6). Last evaluated 2025-09-19.

Allele frequency attached by ClinVar (database versions not stated): gnomAD 0.00009; ExAC 0.00012; TOPMed 0.00012; gnomAD exomes 0.00013 and 0.00031; ESP Exome Variant Server 0.00031.

Submissions (6):

Mayo Clinic Laboratories, Mayo Clinic
Classification: Uncertain significance. Last evaluated: 2025-09-19. Review status: criteria provided, single submitter. Criteria: ACMG Guidelines, 2015. Collection method: clinical testing. Allele origin: germline. Observed: 2 variant alleles.
Comment: BP4_moderate, PM2_supporting

CeGaT Center for Human Genetics Tuebingen
Classification: Uncertain significance. Last evaluated: 2025-08-01. Review status: criteria provided, single submitter. Criteria: CeGaT Center For Human Genetics Tuebingen Variant Classification Criteria Version 2. Collection method: clinical testing. Allele origin: germline. Affected: yes. Observed: 2 variant alleles.
Comment: FLAD1: PM2:Supporting, BP4

GeneDx
Classification: Uncertain significance. Last evaluated: 2025-06-12. Review status: criteria provided, single submitter. Criteria: GeneDx Variant Classification Process June 2021. Collection method: clinical testing. Allele origin: germline. Affected: yes.
Comment: In silico analysis suggests that this missense variant does not alter protein structure/function; Has not been previously published as pathogenic or benign to our knowledge

Blueprint Genetics
Classification: Uncertain significance. Last evaluated: 2024-11-19. Review status: criteria provided, single submitter. Criteria: ACMG Guidelines, 2015. Collection method: clinical testing. Allele origin: germline.

Labcorp Genetics (formerly Invitae), Labcorp
Classification: Uncertain significance. Last evaluated: 2022-10-17. Review status: criteria provided, single submitter. Criteria: Invitae Variant Classification Sherloc (09022015). Collection method: clinical testing. Allele origin: germline.
Comment: This sequence change replaces glycine, which is neutral and non-polar, with arginine, which is basic and polar, at codon 33 of the FLAD1 protein (p.Gly33Arg). This variant is present in population databases (rs142890812, gnomAD 0.03%). This variant has not been reported in the literature in individuals affected with FLAD1-related conditions. ClinVar contains an entry for this variant (Variation ID: 1496588). Algorithms developed to predict the effect of missense changes on protein structure and function are either unavailable or do not agree on the potential impact of this missense change (SIFT: "Deleterious"; PolyPhen-2: "Benign"; Align-GVGD: "Class C0"). In summary, the available evidence is currently insufficient to determine the role of this variant in disease. Therefore, it has been classified as a Variant of Uncertain Significance.

Breakthrough Genomics
Classification: Uncertain significance. Review status: criteria provided, single submitter. Criteria: ACMG Guidelines, 2015. Collection method: not provided. Allele origin: germline. Inheritance: Autosomal recessive inheritance. Affected: yes.

NM_025207.5(FLAD1):c.97G>A (p.Gly33Arg)

Gene: FLAD1 (flavin adenine dinucleotide synthetase 1; plus strand). Cytogenetic location: 1q21.3.
Variant type: single nucleotide variant.
Coding change: c.97G>A on transcript NM_025207.5 (MANE Select); coding-DNA position 97, G replaced by A.
Protein change: p.Gly33Arg; replaces glycine 33 with arginine.
Molecular consequence: missense variant. On other transcripts: intron variant (3).
Genome position (GRCh38, 1-based): chr1:154,983,791, G>A. VCF-style: chr1-154983791-G-A. GRCh37 (hg19) VCF-style: chr1-154956267-G-A.
Other names: p.Gly33Arg; c.-144-51G>A (NM_001184891.2, NM_201398.3); c.-789-51G>A (NM_001184892.2); short protein forms G33R.
Identifiers: ClinVar variation 1496588 (VCV001496588.16), dbSNP rs142890812, ClinGen allele CA1134224.